The following is an entry in ClinVar:

NM_025233.7(COASY):c.1507A>T (p.Arg503Trp)

Gene: COASY (Coenzyme A synthase; plus strand). Cytogenetic location: 17q21.2.
Variant type: single nucleotide variant.
Coding change: c.1507A>T on transcript NM_025233.7 (MANE Select); coding-DNA position 1507, A replaced by T.
Protein change: p.Arg503Trp; replaces arginine 503 with tryptophan.
Molecular consequence: missense variant.
Genome position (GRCh38, 1-based): chr17:42,565,680, A>T. VCF-style: chr17-42565680-A-T. GRCh37 (hg19) VCF-style: chr17-40717698-A-T.
Other names: c.1507A>T, p.Arg503Trp (NM_001042529.3); c.1594A>T, p.Arg532Trp (NM_001042532.4); short protein forms R532W, R503W.
Identifiers: ClinVar variation 1382900 (VCV001382900.6), dbSNP rs756436403, ClinGen allele CA8578379.

ClinVar aggregate classification (germline): Uncertain significance (1 of 4 stars; one submission).

Conditions:
Neurodegeneration with brain iron accumulation 6 (NBIA6). Also called: COASY protein-associated neurodegeneration. Identifiers: Orphanet 397725, MedGen C4517377, MONDO:0014290, OMIM 615643.

Allele frequency attached by ClinVar (database versions not stated): gnomAD 0.00001; gnomAD exomes 0.00001; ExAC 0.00002.
gnomAD v4.1: 6 of 1,613,926 alleles (0.00037%); highest among the groups gnomAD compares: Non-Finnish European, 0.00051%; no homozygotes.

Submission:

Labcorp Genetics (formerly Invitae), Labcorp
Classification: Uncertain significance for Neurodegeneration with brain iron accumulation 6. Last evaluated: 2021-11-01. Review status: criteria provided, single submitter. Criteria: Invitae Variant Classification Sherloc (09022015). Collection method: clinical testing. Allele origin: germline.
Comment: In summary, the available evidence is currently insufficient to determine the role of this variant in disease. Therefore, it has been classified as a Variant of Uncertain Significance. Algorithms developed to predict the effect of missense changes on protein structure and function are either unavailable or do not agree on the potential impact of this missense change (SIFT: "Deleterious"; PolyPhen-2: "Probably Damaging"; Align-GVGD: "Class C0"). This variant has not been reported in the literature in individuals affected with COASY-related conditions. This variant is present in population databases (rs756436403, gnomAD 0.004%). This sequence change replaces arginine, which is basic and polar, with tryptophan, which is neutral and slightly polar, at codon 503 of the COASY protein (p.Arg503Trp).